The following is an entry in ClinVar:

ClinVar aggregate classification (germline): Uncertain significance (1 of 4 stars; one submission).

Conditions:
Hereditary cancer-predisposing syndrome. Also called: Neoplastic Syndromes, Hereditary; Hereditary Cancer Syndrome; Tumor predisposition; Hereditary neoplastic syndrome. Identifiers: Orphanet 140162, MedGen C0027672, MeSH D009386, MONDO:0015356.

Submission:

Ambry Genetics
Classification: Uncertain significance for Hereditary cancer-predisposing syndrome. Last evaluated: 2025-02-15. Review status: criteria provided, single submitter. Criteria: Ambry Variant Classification Scheme 2023. Collection method: clinical testing. Allele origin: germline.
Comment: The p.D695G variant (also known as c.2084A>G), located in coding exon 14 of the PTCH1 gene, results from an A to G substitution at nucleotide position 2084. The aspartic acid at codon 695 is replaced by glycine, an amino acid with similar properties. This amino acid position is conserved. In addition, the in silico prediction for this alteration is inconclusive. Based on the available evidence, the clinical significance of this variant remains unclear.

NM_000264.5(PTCH1):c.2084A>G (p.Asp695Gly)

Genes: PTCH1 (patched 1; minus strand), LOC100507346 (uncharacterized LOC100507346; plus strand). Cytogenetic location: 9q22.32.
Variant type: single nucleotide variant.
Coding change: c.2084A>G on transcript NM_000264.5 (MANE Select); coding-DNA position 2084, A replaced by G.
Protein change: p.Asp695Gly; replaces aspartic acid 695 with glycine.
Molecular consequence: missense variant. On other transcripts: non-coding transcript variant (2).
Genome position (GRCh38, 1-based): chr9:95,468,917, T>C on the plus strand (A>G on the coding strand, the complement: PTCH1 is on the minus strand). VCF-style: chr9-95468917-T-C. GRCh37 (hg19) VCF-style: chr9-98231199-T-C.
Other names: c.1886A>G, p.Asp629Gly (NM_001083602.3); c.2081A>G, p.Asp694Gly (NM_001083603.3); c.1631A>G, p.Asp544Gly (NM_001083604.3, NM_001083605.3, NM_001083606.3 and 1 more transcripts); c.1928A>G, p.Asp643Gly (NM_001354918.2); short protein forms D629G, D643G, D544G, D695G, D694G.
Identifiers: ClinVar variation 3784668 (VCV003784668.1).